The following is an entry in ClinVar:

ClinVar aggregate classification (germline): Likely pathogenic (1 of 4 stars; one submission).

Conditions:
Spermatogenic failure 45. Identifiers: MedGen C5436791, MONDO:0033671, OMIM 619094.

gnomAD v4.1: 314 of 1,614,158 alleles (0.019%); highest among the groups gnomAD compares: South Asian, 0.048%; no homozygotes.

Submission:

First Genomix Gene Laboratory, Genetic Diagnostics Department
Classification: Likely pathogenic for Spermatogenic failure 45. Last evaluated: 2025-09-19. Review status: criteria provided, single submitter. Criteria: ACMG Guidelines, 2015. Collection method: clinical testing. Allele origin: germline. Inheritance: Autosomal recessive inheritance. Affected: no. Observed: 1 variant allele.

NM_020877.5(DNAH2):c.8706G>A (p.Trp2902Ter)

Gene: DNAH2 (dynein axonemal heavy chain 2; plus strand). Cytogenetic location: 17p13.1.
Variant type: single nucleotide variant.
Coding change: c.8706G>A on transcript NM_020877.5 (MANE Select); coding-DNA position 8706, G replaced by A.
Protein change: p.Trp2902Ter; replaces tryptophan 2902 with a stop codon.
Molecular consequence: nonsense.
Genome position (GRCh38, 1-based): chr17:7,801,584, G>A. VCF-style: chr17-7801584-G-A. GRCh37 (hg19) VCF-style: chr17-7704902-G-A.
Other names: short protein forms W2902*.
Identifiers: ClinVar variation 4850416 (VCV004850416.1).